The following is an entry in ClinVar:

NM_004168.4(SDHA):c.886C>T (p.His296Tyr)

Gene: SDHA (succinate dehydrogenase complex flavoprotein subunit A; plus strand). Cytogenetic location: 5p15.33.
Variant type: single nucleotide variant.
Coding change: c.886C>T on transcript NM_004168.4 (MANE Select); coding-DNA position 886, C replaced by T.
Protein change: p.His296Tyr; replaces histidine 296 with tyrosine.
Molecular consequence: missense variant.
Genome position (GRCh38, 1-based): chr5:230,991, C>T. VCF-style: chr5-230991-C-T. GRCh37 (hg19) VCF-style: chr5-231106-C-T.
Other names: c.742C>T, p.His248Tyr (NM_001294332.2); c.886C>T, p.His296Tyr (NM_001330758.2); short protein forms H248Y, H296Y.
Identifiers: ClinVar variation 822786 (VCV000822786.14), dbSNP rs1579397566, ClinGen allele CA359012065.

ClinVar aggregate classification (germline): Uncertain significance. Review status: criteria provided, multiple submitters, no conflicts (2 of 4 stars). 2 submissions from 2 submitters: Uncertain significance (2). Last evaluated 2025-04-07.

Conditions:
Pheochromocytoma/paraganglioma syndrome 5. Also called: Paragangliomas 5; SDHA-Related Hereditary Paraganglioma-Pheochromocytoma Syndrome. Identifiers: Orphanet 29072, MedGen C3279992, MONDO:0013602, OMIM 614165.
Mitochondrial complex II deficiency, nuclear type 1. Also called: SUCCINATE CoQ REDUCTASE DEFICIENCY. Identifiers: Orphanet 3208, MedGen C5700310, MONDO:0100294, OMIM 252011.
Hereditary cancer-predisposing syndrome. Also called: Tumor predisposition; Hereditary neoplastic syndrome; Neoplastic Syndromes, Hereditary; Hereditary Cancer Syndrome. Identifiers: Orphanet 140162, MedGen C0027672, MeSH D009386, MONDO:0015356.

Allele frequency attached by ClinVar (database versions not stated): gnomAD exomes below 0.00001.
gnomAD v4.1: 3 of 1,613,940 alleles (0.00019%); highest among the groups gnomAD compares: Non-Finnish European, 0.00025%; no homozygotes.

Submissions (2):

Labcorp Genetics (formerly Invitae), Labcorp
Classification: Uncertain significance for Pheochromocytoma/paraganglioma syndrome 5; Mitochondrial complex II deficiency, nuclear type 1. Last evaluated: 2025-04-07. Review status: criteria provided, single submitter. Criteria: Invitae Variant Classification Sherloc (09022015). Collection method: clinical testing. Allele origin: germline.
Comment: This sequence change replaces histidine, which is basic and polar, with tyrosine, which is neutral and polar, at codon 296 of the SDHA protein (p.His296Tyr). This variant is not present in population databases (gnomAD no frequency). This variant has not been reported in the literature in individuals affected with SDHA-related conditions. ClinVar contains an entry for this variant (Variation ID: 822786). Invitae Evidence Modeling of protein sequence and biophysical properties (such as structural, functional, and spatial information, amino acid conservation, physicochemical variation, residue mobility, and thermodynamic stability) has been performed for this missense variant. However, the output from this modeling did not meet the statistical confidence thresholds required to predict the impact of this variant on SDHA protein function. Experimental studies have shown that this missense change affects SDHA function (PMID: 28724664). In summary, the available evidence is currently insufficient to determine the role of this variant in disease. Therefore, it has been classified as a Variant of Uncertain Significance.

Ambry Genetics
Classification: Uncertain significance for Hereditary cancer-predisposing syndrome. Last evaluated: 2024-02-26. Review status: criteria provided, single submitter. Criteria: Ambry Variant Classification Scheme 2023. Collection method: clinical testing. Allele origin: germline.
Comment: The p.H296Y variant (also known as c.886C>T), located in coding exon 7 of the SDHA gene, results from a C to T substitution at nucleotide position 886. The histidine at codon 296 is replaced by tyrosine, an amino acid with similar properties. Functional studies in yeast demonstrated that this variant impairs SDHA activity (Bannon AE et al. Clin Cancer Res, 2017 Nov;23:6733-6743). Based on internal structural analysis, this variant is more disruptive than known pathogenic variants (Ambry internal data). This amino acid position is highly conserved in available vertebrate species. In addition, this alteration is predicted to be deleterious by in silico analysis. Based on the available evidence, the clinical significance of this alteration remains unclear.

Literature cited by the submitters: PubMed 28724664 (cited by Labcorp Genetics (formerly Invitae), Labcorp and Ambry Genetics).